The following is an entry in ClinVar:

NM_000393.5(COL5A2):c.2553+3A>G

Gene: COL5A2 (collagen type V alpha 2 chain; minus strand). Cytogenetic location: 2q32.2.
Variant type: single nucleotide variant.
Coding change: c.2553+3A>G on transcript NM_000393.5 (MANE Select); 3 bases into the intron after coding-DNA position 2553, A replaced by G.
Molecular consequence: intron variant.
Genome position (GRCh38, 1-based): chr2:189,053,421, T>C on the plus strand (A>G on the coding strand, the complement: COL5A2 is on the minus strand). VCF-style: chr2-189053421-T-C. GRCh37 (hg19) VCF-style: chr2-189918147-T-C.
Identifiers: ClinVar variation 4739189 (VCV004739189.1).
Genomic context (GRCh38, chr2:189,053,421, plus strand): 5'-CATTAAACTTATTATAACAAGATAAGTGTTTATTTGTAAATTAGGGATATTTGAAAATTA[T>C]ACCTGGGGTCCGGCAAAACCAACAGCTCCAGTTGGCCCATTTTCACCTCGAGAACCCTAG-3'

ClinVar aggregate classification (germline): Uncertain significance (1 of 4 stars; one submission).

Conditions:
Ehlers-Danlos syndrome, classic type, 1 (EDSCL1). Also called: EHLERS-DANLOS SYNDROME, GRAVIS TYPE; EHLERS-DANLOS SYNDROME, SEVERE CLASSIC TYPE; Ehlers-Danlos syndrome, type 1; Ehlers-Danlos Syndrome, Classic Type, COL5A1-Related; EDS I. Identifiers: MedGen C0268335, MONDO:0019567, OMIM 130000.

Submission:

Labcorp Genetics (formerly Invitae), Labcorp
Classification: Uncertain significance for Ehlers-Danlos syndrome, classic type, 1. Last evaluated: 2025-08-29. Review status: criteria provided, single submitter. Criteria: Invitae Variant Classification Sherloc (09022015). Collection method: clinical testing. Allele origin: germline.
Comment: This sequence change falls in intron 38 of the COL5A2 gene. It does not directly change the encoded amino acid sequence of the COL5A2 protein. It affects a nucleotide within the consensus splice site. This variant is not present in population databases (gnomAD no frequency). This variant has not been reported in the literature in individuals affected with COL5A2-related conditions. Variants that disrupt the consensus splice site are a relatively common cause of aberrant splicing (PMID: 17576681, 9536098). Algorithms developed to predict the effect of sequence changes on RNA splicing suggest that this variant may disrupt the consensus splice site. In summary, the available evidence is currently insufficient to determine the role of this variant in disease. Therefore, it has been classified as a Variant of Uncertain Significance.

Literature cited by the submitters: PubMed 17576681; PubMed 9536098.